The following is an entry in ClinVar:

ClinVar aggregate classification (germline): Likely pathogenic (1 of 4 stars; one submission).

Allele frequency attached by ClinVar (database versions not stated): gnomAD exomes below 0.00001.
gnomAD v4.1: 1 of 1,613,758 alleles (0.000062%); highest among the groups gnomAD compares: Non-Finnish European, 0.000085%; no homozygotes.

Submission:

Labcorp Genetics (formerly Invitae), Labcorp
Classification: Likely pathogenic. Last evaluated: 2022-01-28. Review status: criteria provided, single submitter. Criteria: Invitae Variant Classification Sherloc (09022015). Collection method: clinical testing. Allele origin: germline.
Comment: Algorithms developed to predict the effect of sequence changes on RNA splicing suggest that this variant may disrupt the consensus splice site. This variant has not been reported in the literature in individuals affected with ANK1-related conditions. This variant is not present in population databases (gnomAD no frequency). This sequence change affects a donor splice site in intron 2 of the ANK1 gene. It is expected to disrupt RNA splicing. Variants that disrupt the donor or acceptor splice site typically lead to a loss of protein function (PMID: 16199547), and loss-of-function variants in ANK1 are known to be pathogenic (PMID: 8640229). In summary, the currently available evidence indicates that the variant is pathogenic, but additional data are needed to prove that conclusively. Therefore, this variant has been classified as Likely Pathogenic.

Literature cited by the submitters: PubMed 16199547; PubMed 8640229.

NM_000037.4(ANK1):c.129+1G>A

Gene: ANK1 (ankyrin 1; minus strand). Cytogenetic location: 8p11.21.
Variant type: single nucleotide variant.
Coding change: c.129+1G>A on transcript NM_000037.4 (MANE Select); the canonical splice donor site of the intron after coding-DNA position 129, G replaced by A.
Molecular consequence: splice donor variant.
Genome position (GRCh38, 1-based): chr8:41,758,035, C>T on the plus strand (G>A on the coding strand, the complement: ANK1 is on the minus strand). VCF-style: chr8-41758035-C-T. GRCh37 (hg19) VCF-style: chr8-41615553-C-T.
Other names: c.228+1G>A (NM_001142446.2); c.129+1G>A (NM_020477.3, NM_020475.3, NM_020476.3).
Identifiers: ClinVar variation 2090853 (VCV002090853.4), dbSNP rs2487160901, ClinGen allele CA371053904.